The following is an entry in ClinVar:

NM_018896.5(CACNA1G):c.2153C>T (p.Pro718Leu)

Gene: CACNA1G (calcium voltage-gated channel subunit alpha1 G; plus strand). Cytogenetic location: 17q21.33.
Variant type: single nucleotide variant.
Coding change: c.2153C>T on transcript NM_018896.5 (MANE Select); coding-DNA position 2153, C replaced by T.
Protein change: p.Pro718Leu; replaces proline 718 with leucine.
Molecular consequence: missense variant. On other transcripts: non-coding transcript variant (5).
Genome position (GRCh38, 1-based): chr17:50,578,416, C>T. VCF-style: chr17-50578416-C-T. GRCh37 (hg19) VCF-style: chr17-48655777-C-T.
Other names: c.2153C>T, p.Pro718Leu (NM_001256324.2, NM_001256325.2, NM_001256326.2 and 24 more transcripts); short protein forms P718L.
Identifiers: ClinVar variation 4688458 (VCV004688458.1).
Genomic context (GRCh38, chr17:50,578,416, plus strand): 5'-AGGATGCCCAGCACAGCGACCTCCGGGACCCCCACAGCCGGCGGCAACGGAGCCTGGGCC[C>T]AGATGCAGAGCCCAGCTCTGTGCTGGCCTTCTGGAGGCTAATCTGTGACACCTTCCGAAA-3'
Protein context (NP_061496.2, residues 708-728): PHSRRQRSLG[Pro718Leu]DAEPSSVLAF

ClinVar aggregate classification (germline): Uncertain significance (1 of 4 stars; one submission).

gnomAD v4.1: 1 of 1,613,348 alleles (0.000062%); highest among the groups gnomAD compares: Non-Finnish European, 0.000085%; no homozygotes.

Submission:

Women's Health and Genetics/Laboratory Corporation of America, LabCorp
Classification: Uncertain significance. Last evaluated: 2025-12-09. Review status: criteria provided, single submitter. Criteria: LabCorp Variant Classification Summary - May 2015. Collection method: clinical testing. Allele origin: germline.
Comment: Variant summary: CACNA1G c.2153C>T (p.Pro718Leu) results in a non-conservative amino acid change in the encoded protein sequence. Algorithms developed to predict the effect of missense changes on protein structure and function are either unavailable or do not agree on the potential impact of this missense change. The variant allele was found at a frequency of 4e-06 in 248442 control chromosomes. The available data on variant occurrences in the general population are insufficient to allow any conclusion about variant significance. To our knowledge, no occurrence of c.2153C>T in individuals affected with CACNA1G-related conditions and no experimental evidence demonstrating its impact on protein function have been reported. No submitters have cited clinical-significance assessments for this variant to ClinVar. Based on the evidence outlined above, the variant was classified as uncertain significance.